The following is an entry in ClinVar:

NM_198578.4(LRRK2):c.6827A>G (p.Glu2276Gly)

Gene: LRRK2 (leucine rich repeat kinase 2; plus strand). Cytogenetic location: 12q12.
Variant type: single nucleotide variant.
Coding change: c.6827A>G on transcript NM_198578.4 (MANE Select); coding-DNA position 6827, A replaced by G.
Protein change: p.Glu2276Gly; replaces glutamic acid 2276 with glycine.
Molecular consequence: missense variant.
Genome position (GRCh38, 1-based): chr12:40,356,171, A>G. VCF-style: chr12-40356171-A-G. GRCh37 (hg19) VCF-style: chr12-40749973-A-G.
Other names: short protein forms E2276G.
Identifiers: ClinVar variation 3291966 (VCV003291966.1).
Genomic context (GRCh38, chr12:40,356,171, plus strand): 5'-TTAGCAAACAAAAAAATTTTCTTTTGGTTGGAACCGCTGATGGCAAGTTAGCAATTTTTG[A>G]AGATAAGACTGTTAAGGTAAATGTTGAATGCATTCTACATCTAAATTTATTTTAAGTCTT-3'
Protein context (NP_940980.4, residues 2266-2286): GTADGKLAIF[Glu2276Gly]DKTVKLKGAA

ClinVar aggregate classification (germline): Uncertain significance (1 of 4 stars; one submission).

Conditions:
Inborn genetic diseases. Identifiers: MedGen C0950123, MeSH D030342.

Submission:

Ambry Genetics
Classification: Uncertain significance for Inborn genetic diseases. Last evaluated: 2024-04-19. Review status: criteria provided, single submitter. Criteria: Ambry Variant Classification Scheme 2023. Collection method: clinical testing. Allele origin: germline.
Comment: The p.E2276G variant (also known as c.6827A>G), located in coding exon 46 of the LRRK2 gene, results from an A to G substitution at nucleotide position 6827. The glutamic acid at codon 2276 is replaced by glycine, an amino acid with similar properties. This amino acid position is conserved. In addition, the in silico prediction for this alteration is inconclusive. Based on the available evidence, the clinical significance of this variant remains unclear.